The following is an entry in ClinVar:

ClinVar aggregate classification (germline): Uncertain significance (1 of 4 stars; one submission).

gnomAD v4.1: 2 of 1,614,126 alleles (0.00012%); highest among the groups gnomAD compares: Non-Finnish European, 0.00017%; no homozygotes.

Submission:

Ambry Genetics
Classification: Uncertain significance. Last evaluated: 2021-11-12. Review status: criteria provided, single submitter. Criteria: Ambry Variant Classification Scheme 2023. Collection method: clinical testing. Allele origin: germline.
Comment: The p.S318T variant (also known as c.953G>C), located in coding exon 9 of the RAD54L gene, results from a G to C substitution at nucleotide position 953. The serine at codon 318 is replaced by threonine, an amino acid with similar properties. This amino acid position is conserved. In addition, this alteration is predicted to be tolerated by in silico analysis. Since supporting evidence is limited at this time, the clinical significance of this alteration remains unclear.

NM_003579.4(RAD54L):c.953G>C (p.Ser318Thr)

Gene: RAD54L (RAD54 like; plus strand). Cytogenetic location: 1p34.1.
Variant type: single nucleotide variant.
Coding change: c.953G>C on transcript NM_003579.4 (MANE Select); coding-DNA position 953, G replaced by C.
Protein change: p.Ser318Thr; replaces serine 318 with threonine.
Molecular consequence: missense variant.
Genome position (GRCh38, 1-based): chr1:46,267,520, G>C. VCF-style: chr1-46267520-G-C. GRCh37 (hg19) VCF-style: chr1-46733192-G-C.
Other names: c.953G>C, p.Ser318Thr (NM_001142548.2); c.413G>C, p.Ser138Thr (NM_001370766.1); short protein forms S138T, S318T.
Identifiers: ClinVar variation 1767314 (VCV001767314.2), dbSNP rs1324494132, ClinGen allele CA340192318.
Genomic context (GRCh38, chr1:46,267,520, plus strand): 5'-GACACAGGCTCAAGAACTCTGAGAATCAGACTTACCAAGCCCTGGACAGCTTGAACACCA[G>C]CCGGCGGGTGCTCATCTCCGGAACTCCCATCCAGAATGATCTGCTTGAGTATTTCAGCTT-3'
Protein context (NP_003570.2, residues 308-328): TYQALDSLNT[Ser318Thr]RRVLISGTPI